The following is an entry in ClinVar:

ClinVar aggregate classification (germline): Uncertain significance. Review status: criteria provided, multiple submitters, no conflicts (2 of 4 stars). 2 submissions from 2 submitters: Uncertain significance (2). Last evaluated 2025-11-12.

Conditions:
Infantile-onset ascending hereditary spastic paralysis (IAHSP). Also called: Infantile-Onset Ascending Hereditary Spastic Paralysis (IAHSP); Autosomal Recessive Juvenile Amyotrophic Lateral Sclerosis. Identifiers: Orphanet 293168, MedGen C2931441, MONDO:0011797, OMIM 607225. Disease mechanism: loss of function.

Allele frequency attached by ClinVar (database versions not stated): gnomAD exomes below 0.00001 and 0.00002; ExAC 0.00002; gnomAD 0.00004 and 0.00005; TOPMed 0.00012; 1000 Genomes Project 0.00020; 1000 Genomes Project 30x 0.00031.
gnomAD v4.1: 13 of 1,610,348 alleles (0.00081%); highest among the groups gnomAD compares: Admixed American, 0.017%; no homozygotes.

Submissions (2):

Labcorp Genetics (formerly Invitae), Labcorp
Classification: Uncertain significance for Infantile-onset ascending hereditary spastic paralysis. Last evaluated: 2025-11-12. Review status: criteria provided, single submitter. Criteria: Invitae Variant Classification Sherloc (09022015). Collection method: clinical testing. Allele origin: germline.
Comment: This sequence change replaces glutamic acid, which is acidic and polar, with lysine, which is basic and polar, at codon 170 of the ALS2 protein (p.Glu170Lys). This variant is present in population databases (rs189254609, gnomAD 0.01%). This variant has not been reported in the literature in individuals affected with ALS2-related conditions. ClinVar contains an entry for this variant (Variation ID: 846203). Invitae Evidence Modeling of protein sequence and biophysical properties (such as structural, functional, and spatial information, amino acid conservation, physicochemical variation, residue mobility, and thermodynamic stability) indicates that this missense variant is expected to disrupt ALS2 protein function with a positive predictive value of 80%. In summary, the available evidence is currently insufficient to determine the role of this variant in disease. Therefore, it has been classified as a Variant of Uncertain Significance.

Mayo Clinic Laboratories, Mayo Clinic
Classification: Uncertain significance. Last evaluated: 2024-04-02. Review status: criteria provided, single submitter. Criteria: ACMG Guidelines, 2015. Collection method: clinical testing. Allele origin: germline. Observed: 1 variant allele.
Comment: PM2_moderate

NM_020919.4(ALS2):c.508G>A (p.Glu170Lys)

Gene: ALS2 (alsin Rho guanine nucleotide exchange factor ALS2; minus strand). Cytogenetic location: 2q33.1.
Variant type: single nucleotide variant.
Coding change: c.508G>A on transcript NM_020919.4 (MANE Select); coding-DNA position 508, G replaced by A.
Protein change: p.Glu170Lys; replaces glutamic acid 170 with lysine.
Molecular consequence: missense variant.
Genome position (GRCh38, 1-based): chr2:201,761,486, C>T on the plus strand (G>A on the coding strand, the complement: ALS2 is on the minus strand). VCF-style: chr2-201761486-C-T. GRCh37 (hg19) VCF-style: chr2-202626209-C-T.
Other names: p.Glu170Lys; c.508G>A, p.Glu170Lys (NM_001135745.2); short protein forms E170K.
Identifiers: ClinVar variation 846203 (VCV000846203.6), dbSNP rs189254609, ClinGen allele CA2058638.